The following is an entry in ClinVar:

NM_004171.4(SLC1A2):c.561+4del

Gene: SLC1A2 (solute carrier family 1 member 2; minus strand). Cytogenetic location: 11p13.
Variant type: Deletion.
Coding change: c.561+4del on transcript NM_004171.4 (MANE Select); 4 bases into the intron after coding-DNA position 561, one base deleted (A; older notation c.561+4delA).
Molecular consequence: intron variant.
Genome position (GRCh38, 1-based): chr11:35,312,194, T deleted on the plus strand (A on the coding strand, the reverse complement: SLC1A2 is on the minus strand); the first of 2 consecutive T bases (chr11:35,312,194-35,312,195); deleting either gives the same sequence. VCF-style (leftmost placement, unchanged base first): chr11-35312193-GT-G. GRCh37 (hg19) VCF-style: chr11-35333740-GT-G.
Other names: c.534+4del (NM_001195728.3, NM_001252652.2).
Identifiers: ClinVar variation 3641834 (VCV003641834.2).
Genomic context (GRCh38, chr11:35,312,193, plus strand): 5'-TCTTAAGTTATCGCCTTGATAACTTAGAGGACTGGAGAAGAGAGAACATCTGAACTCTGG[GT>G]TACCTGTTGAAAGCAGGCTTGGACAAGGTTTTCAGGGAAGAGATTTCGAATAAGGTCCAG-3'

ClinVar aggregate classification (germline): Uncertain significance (1 of 4 stars; one submission).

Submission:

Labcorp Genetics (formerly Invitae), Labcorp
Classification: Uncertain significance. Last evaluated: 2024-02-18. Review status: criteria provided, single submitter. Criteria: Invitae Variant Classification Sherloc (09022015). Collection method: clinical testing. Allele origin: germline.
Comment: This sequence change falls in intron 4 of the SLC1A2 gene. It does not directly change the encoded amino acid sequence of the SLC1A2 protein. It affects a nucleotide within the consensus splice site. This variant is not present in population databases (gnomAD no frequency). This variant has not been reported in the literature in individuals affected with SLC1A2-related conditions. Variants that disrupt the consensus splice site are a relatively common cause of aberrant splicing (PMID: 17576681, 9536098). Algorithms developed to predict the effect of sequence changes on RNA splicing suggest that this variant is not likely to affect RNA splicing. In summary, the available evidence is currently insufficient to determine the role of this variant in disease. Therefore, it has been classified as a Variant of Uncertain Significance.

Literature cited by the submitters: PubMed 17576681; PubMed 9536098.